The following is an entry in ClinVar:

NM_001388306.1(MIDN):c.1483G>A (p.Val495Met)

Gene: MIDN (midnolin; plus strand). Cytogenetic location: 19p13.3.
Variant type: single nucleotide variant.
Coding change: c.1483G>A on transcript NM_001388306.1 (MANE Select); coding-DNA position 1483, G replaced by A.
Protein change: p.Val495Met; replaces valine 495 with methionine.
Molecular consequence: missense variant.
Genome position (GRCh38, 1-based): chr19:1,257,219, G>A. VCF-style: chr19-1257219-G-A. GRCh37 (hg19) VCF-style: chr19-1257218-G-A.
Other names: c.1351G>A, p.Val451Met (NM_001388307.1); c.1354G>A, p.Val452Met (NM_001388474.1, NM_177401.5); c.1354G>A (NM_177401.4); short protein forms V451M, V452M, V495M.
Identifiers: ClinVar variation 3358890 (VCV003358890.2).

ClinVar aggregate classification (germline): Uncertain significance. Review status: criteria provided, single submitter (1 of 4 stars). 2 submissions from 2 submitters: Uncertain significance (1). 1 of the submissions does not count toward it. Last evaluated 2025-02-20.

Conditions:
Familial long QT syndrome (RWS). Also called: Romano-Ward syndrome; VENTRICULAR FIBRILLATION WITH PROLONGED QT INTERVAL; Congenital long QT syndrome. Identifiers: Orphanet 768, MedGen C1141890, MONDO:0019171.

gnomAD v4.1: 19 of 1,612,098 alleles (0.0012%); highest among the groups gnomAD compares: Admixed American, 0.01%; no homozygotes.

Submissions (2):

Ambry Genetics
Classification: Uncertain significance. Last evaluated: 2025-02-20. Review status: criteria provided, single submitter. Criteria: Ambry Variant Classification Scheme 2023. Collection method: clinical testing. Allele origin: germline.

Genetics and Genomics Program, Sidra Medicine
Classification: Uncertain significance for Isolated congenital long QT syndrome. Review status: no assertion criteria provided. Collection method: research. Allele origin: unknown. Affected: yes. Not counted in ClinVar's aggregate classification.
Comment: The c.1354G>A missense variant in MIDN is present in gnomAD with an allele count of 6 and no homozygous individuals reported (PM2). SIFT predictions indicate an uncertain impact (0.008). ACMG codes: PM1, PM2.